The following is an entry in ClinVar:

NM_021076.4(NEFH):c.2468C>T (p.Pro823Leu)

Gene: NEFH (neurofilament heavy chain; plus strand). Cytogenetic location: 22q12.2.
Variant type: single nucleotide variant.
Coding change: c.2468C>T on transcript NM_021076.4 (MANE Select); coding-DNA position 2468, C replaced by T.
Protein change: p.Pro823Leu; replaces proline 823 with leucine.
Molecular consequence: missense variant.
Genome position (GRCh38, 1-based): chr22:29,490,108, C>T. VCF-style: chr22-29490108-C-T. GRCh37 (hg19) VCF-style: chr22-29886097-C-T.
Other names: short protein forms P823L.
Identifiers: ClinVar variation 2577576 (VCV002577576.1), dbSNP rs2517979049, ClinGen allele CA411137630.

ClinVar aggregate classification (germline): Uncertain significance (1 of 4 stars; one submission).

Submission:

GeneDx
Classification: Uncertain significance. Last evaluated: 2023-02-27. Review status: criteria provided, single submitter. Criteria: GeneDx Variant Classification Process June 2021. Collection method: clinical testing. Allele origin: germline. Affected: yes.
Comment: Not observed at significant frequency in large population cohorts (gnomAD); In silico analysis supports that this missense variant has a deleterious effect on protein structure/function; Has not been previously published as pathogenic or benign to our knowledge